The following is an entry in ClinVar:

NM_000301.5(PLG):c.1858G>A (p.Ala620Thr)

Genes: PLG (plasminogen; plus strand), LOC126859861 (CDK7 strongly-dependent group 2 enhancer GRCh37_chr6:161158745-161159944; plus strand). Cytogenetic location: 6q26.
Variant type: single nucleotide variant.
Coding change: c.1858G>A on transcript NM_000301.5 (MANE Select); coding-DNA position 1858, G replaced by A.
Protein change: p.Ala620Thr; replaces alanine 620 with threonine.
Molecular consequence: missense variant.
Genome position (GRCh38, 1-based): chr6:160,738,593, G>A. VCF-style: chr6-160738593-G-A. GRCh37 (hg19) VCF-style: chr6-161159625-G-A.
Other names: A601T; short protein forms A620T.
Identifiers: ClinVar variation 13574 (VCV000013574.13), dbSNP rs121918027, ClinGen allele CA123263.

ClinVar aggregate classification (germline): Conflicting classifications of pathogenicity. Review status: criteria provided, conflicting classifications (1 of 4 stars). 8 submissions from 8 submitters: Uncertain significance (3); Benign (2); Likely benign (2). 1 of the submissions does not count toward it. Last evaluated 2026-01-24.

Conditions:
PLG-related disorder. Also called: PLG-related condition.
Plasminogen deficiency, type I. Also called: Type 1 plasminogen deficiency; Hypoplasminogenemia. Identifiers: Orphanet 722, MedGen C1968804, MONDO:0009009, OMIM 217090.
Dysplasminogenemia. Identifiers: MedGen CN043003, MONDO:0100538.

Allele frequency attached by ClinVar (database versions not stated): 1000 Genomes Project 30x 0.00281; 1000 Genomes Project 0.00339; gnomAD 0.00036 and 0.00056; TOPMed 0.00079; ExAC 0.00133; gnomAD exomes 0.00139.

Submissions (8):

Labcorp Genetics (formerly Invitae), Labcorp
Classification: Benign. Last evaluated: 2026-01-24. Review status: criteria provided, single submitter. Criteria: Invitae Variant Classification Sherloc (09022015). Collection method: clinical testing. Allele origin: germline.

PreventionGenetics, part of Exact Sciences
Classification: Likely benign for PLG-related condition. Last evaluated: 2025-09-15. Review status: criteria provided, single submitter. Criteria: ACMG Guidelines, 2015. Collection method: clinical testing. Allele origin: germline.
Comment: This variant is classified as likely benign based on ACMG/AMP sequence variant interpretation guidelines (Richards et al. 2015 PMID: 25741868, with internal and published modifications).

Blueprint Genetics
Classification: Uncertain significance. Last evaluated: 2024-11-21. Review status: criteria provided, single submitter. Criteria: ACMG Guidelines, 2015. Collection method: clinical testing. Allele origin: germline.

Women's Health and Genetics/Laboratory Corporation of America, LabCorp
Classification: Likely benign. Last evaluated: 2023-06-28. Review status: criteria provided, single submitter. Criteria: LabCorp Variant Classification Summary - May 2015. Collection method: clinical testing. Allele origin: germline.

Department of Pathology and Laboratory Medicine, Sinai Health System
Classification: Uncertain significance for Plasminogen deficiency, type I. Last evaluated: 2021-07-30. Review status: criteria provided, single submitter. Criteria: ACMG Guidelines, 2015. Collection method: research. Allele origin: germline.

Mendelics
Classification: Benign for Plasminogen deficiency, type I. Last evaluated: 2019-05-28. Review status: criteria provided, single submitter. Criteria: Mendelics Assertion Criteria 2017. Collection method: clinical testing. Allele origin: unknown.

Soonchunhyang University Bucheon Hospital, Soonchunhyang University Medical Center
Classification: Uncertain significance for Plasminogen deficiency, type I. Last evaluated: 2016-03-18. Review status: criteria provided, single submitter. Criteria: ACMG Guidelines, 2015. Collection method: reference population. Allele origin: germline. Observed: 8 variant alleles.

OMIM
Classification: Pathogenic for DYSPLASMINOGENEMIA. Last evaluated: 1997-11-01. Review status: flagged submission. Collection method: literature only. Allele origin: germline. Not counted in ClinVar's aggregate classification.
ClinVar note: Reason: Older and outlier claim with insufficient supporting evidence

Literature cited by the submitters: PubMed 1986355 (cited by Soonchunhyang University Bucheon Hospital, Soonchunhyang University Medical Center and OMIM); PubMed 15269832 (cited by Soonchunhyang University Bucheon Hospital, Soonchunhyang University Medical Center); PubMed 6238949 (cited by OMIM); PubMed 659588 (cited by OMIM); PubMed 6216475 (cited by OMIM); PubMed 1427790 (cited by OMIM); PubMed 9375744 (cited by OMIM).